The following is an entry in ClinVar:

ClinVar aggregate classification (germline): Uncertain significance. Review status: criteria provided, multiple submitters, no conflicts (2 of 4 stars). 2 submissions from 2 submitters: Uncertain significance (2). Last evaluated 2025-12-10.

Conditions:
Hereditary cancer-predisposing syndrome. Also called: Neoplastic Syndromes, Hereditary; Tumor predisposition; Hereditary neoplastic syndrome; Hereditary Cancer Syndrome. Identifiers: Orphanet 140162, MedGen C0027672, MeSH D009386, MONDO:0015356.

gnomAD v4.1: 1 of 1,613,946 alleles (0.000062%); no homozygotes.

Submissions (2):

Ambry Genetics
Classification: Uncertain significance for Hereditary cancer-predisposing syndrome. Last evaluated: 2025-12-10. Review status: criteria provided, single submitter. Criteria: Ambry Variant Classification Scheme 2023. Collection method: clinical testing. Allele origin: germline.
Comment: The p.Q252E variant (also known as c.754C>G), located in coding exon 3 of the XRCC2 gene, results from a C to G substitution at nucleotide position 754. The glutamine at codon 252 is replaced by glutamic acid, an amino acid with highly similar properties. This amino acid position is not well conserved in available vertebrate species. In addition, this alteration is predicted to be tolerated by in silico analysis. Since supporting evidence is limited at this time, the clinical significance of this alteration remains unclear.

Labcorp Genetics (formerly Invitae), Labcorp
Classification: Uncertain significance. Last evaluated: 2024-02-02. Review status: criteria provided, single submitter. Criteria: Invitae Variant Classification Sherloc (09022015). Collection method: clinical testing. Allele origin: germline.
Comment: This sequence change replaces glutamine, which is neutral and polar, with glutamic acid, which is acidic and polar, at codon 252 of the XRCC2 protein (p.Gln252Glu). This variant is not present in population databases (gnomAD no frequency). This variant has not been reported in the literature in individuals affected with XRCC2-related conditions. ClinVar contains an entry for this variant (Variation ID: 827115). An algorithm developed to predict the effect of missense changes on protein structure and function (PolyPhen-2) suggests that this variant is likely to be tolerated. In summary, the available evidence is currently insufficient to determine the role of this variant in disease. Therefore, it has been classified as a Variant of Uncertain Significance.

NM_005431.2(XRCC2):c.754C>G (p.Gln252Glu)

Gene: XRCC2 (X-ray repair cross complementing 2; minus strand). Cytogenetic location: 7q36.1.
Variant type: single nucleotide variant.
Coding change: c.754C>G on transcript NM_005431.2 (MANE Select); coding-DNA position 754, C replaced by G.
Protein change: p.Gln252Glu; replaces glutamine 252 with glutamic acid.
Molecular consequence: missense variant.
Genome position (GRCh38, 1-based): chr7:152,648,731, G>C on the plus strand (C>G on the coding strand, the complement: XRCC2 is on the minus strand). VCF-style: chr7-152648731-G-C. GRCh37 (hg19) VCF-style: chr7-152345816-G-C.
Other names: short protein forms Q252E.
Identifiers: ClinVar variation 827115 (VCV000827115.18), dbSNP rs1590129221, ClinGen allele CA370198015.
Genomic context (GRCh38, chr7:152,648,731, plus strand): 5'-TAATAAAAAAATGTTTTTTTAAACTGTTACTTTTTAAACAACGTGAAACTAATGAAAATT[G>C]GTTGCTGCTTTGAGAATCATCTTGTTTGGAGAAAAACATCCTGTGCTTCACCAGTTGCTG-3'
Protein context (NP_005422.1, residues 242-262): SKQDDSQSSN[Gln252Glu]FSLVSRCLKS